The following is an entry in ClinVar:

NM_001378615.1(CC2D2A):c.2625+2T>C

Genes: CC2D2A (coiled-coil and C2 domain containing 2A; plus strand), FBXL5 (F-box and leucine rich repeat protein 5; minus strand). Cytogenetic location: 4p15.32.
Variant type: single nucleotide variant.
Coding change: c.2625+2T>C on transcript NM_001378615.1 (MANE Select); the canonical splice donor site of the intron after coding-DNA position 2625, T replaced by C.
Molecular consequence: splice donor variant.
Genome position (GRCh38, 1-based): chr4:15,555,212, T>C. VCF-style: chr4-15555212-T-C. GRCh37 (hg19) VCF-style: chr4-15556835-T-C.
Other names: c.2625+2T>C (NM_001080522.2); c.2478+2T>C (NM_001378617.1).
Identifiers: ClinVar variation 1322033 (VCV001322033.10), dbSNP rs1449972974, ClinGen allele CA356420900.

ClinVar aggregate classification (germline): Pathogenic/Likely pathogenic. Review status: criteria provided, multiple submitters, no conflicts (2 of 4 stars). 3 submissions from 3 submitters: Pathogenic (2); Likely pathogenic (1). Last evaluated 2023-05-11.

Conditions:
CC2D2A-related disorder. Also called: CC2D2A-related disorders; CC2D2A-related condition. Identifiers: MedGen CN239313.
Joubert syndrome. Also called: JOUBERT-BOLTSHAUSER SYNDROME; Familial aplasia of the vermis. Identifiers: Orphanet 475, MedGen C5979921, MONDO:0018772.
Meckel-Gruber syndrome. Also called: DYSENCEPHALIA SPLANCHNOCYSTICA; GRUBER SYNDROME; Dysencephalia splachnocystica. Identifiers: Orphanet 564, MedGen C0265215, MONDO:0018921.

Allele frequency attached by ClinVar (database versions not stated): gnomAD exomes below 0.00001.
gnomAD v4.1: 5 of 1,612,368 alleles (0.00031%); highest among the groups gnomAD compares: Admixed American, 0.0017%; no homozygotes.

Submissions (3):

Labcorp Genetics (formerly Invitae), Labcorp
Classification: Pathogenic for Joubert syndrome; Meckel-Gruber syndrome. Last evaluated: 2023-05-11. Review status: criteria provided, single submitter. Criteria: Invitae Variant Classification Sherloc (09022015). Collection method: clinical testing. Allele origin: germline.
Comment: This sequence change affects a donor splice site in intron 21 of the CC2D2A gene. It is expected to disrupt RNA splicing. Variants that disrupt the donor or acceptor splice site typically lead to a loss of protein function (PMID: 16199547), and loss-of-function variants in CC2D2A are known to be pathogenic (PMID: 19777577). This variant is present in population databases (no rsID available, gnomAD 0.003%). Disruption of this splice site has been observed in individual(s) with clinical features of Meckel-Gruber syndrome (Invitae). In at least one individual the data is consistent with being in trans (on the opposite chromosome) from a pathogenic variant. ClinVar contains an entry for this variant (Variation ID: 1322033). Algorithms developed to predict the effect of sequence changes on RNA splicing suggest that this variant may disrupt the consensus splice site. For these reasons, this variant has been classified as Pathogenic.

Blueprint Genetics
Classification: Likely pathogenic for CC2D2A-related disorders. Last evaluated: 2022-11-02. Review status: criteria provided, single submitter. Criteria: ACMG Guidelines, 2015. Collection method: clinical testing. Allele origin: germline. Affected: yes. Observed: 1 variant allele.

Revvity Omics, Revvity
Classification: Pathogenic. Last evaluated: 2019-06-12. Review status: criteria provided, single submitter. Criteria: ACMG Guidelines, 2015. Collection method: clinical testing. Allele origin: germline.

Literature cited by the submitters: PubMed 16199547 (cited by Labcorp Genetics (formerly Invitae), Labcorp); PubMed 19777577 (cited by Labcorp Genetics (formerly Invitae), Labcorp).